The following is an entry in ClinVar:

ClinVar aggregate classification (germline): Likely benign. Review status: criteria provided, multiple submitters, no conflicts (2 of 4 stars). 4 submissions from 4 submitters: Likely benign (3). 1 of the submissions does not count toward it. Last evaluated 2026-06-14.

Conditions:
CTDP1-related disorder. Also called: CTDP1-related condition.

Allele frequency attached by ClinVar (database versions not stated): ExAC 0.00008.
gnomAD v4.1: 133 of 1,604,646 alleles (0.0083%); highest among the groups gnomAD compares: Middle Eastern, 0.23%; no homozygotes.

Submissions (4):

Women's Health and Genetics/Laboratory Corporation of America, LabCorp
Classification: Likely benign. Last evaluated: 2026-06-14. Review status: criteria provided, single submitter. Criteria: LabCorp Variant Classification Summary - May 2015. Collection method: clinical testing. Allele origin: germline.

CeGaT Center for Human Genetics Tuebingen
Classification: Likely benign. Last evaluated: 2025-05-01. Review status: criteria provided, single submitter. Criteria: CeGaT Center For Human Genetics Tuebingen Variant Classification Criteria Version 2. Collection method: clinical testing. Allele origin: germline. Affected: yes. Observed: 1 variant allele.
Comment: CTDP1: BP4, BP7

Blueprint Genetics
Classification: Likely benign. Last evaluated: 2024-04-12. Review status: criteria provided, single submitter. Criteria: ACMG Guidelines, 2015. Collection method: clinical testing. Allele origin: germline.

PreventionGenetics, part of Exact Sciences
Classification: Likely benign for CTDP1-related condition. Last evaluated: 2019-04-10. Review status: no assertion criteria provided. Collection method: clinical testing. Allele origin: germline. Not counted in ClinVar's aggregate classification.
Comment: This variant is classified as likely benign based on ACMG/AMP sequence variant interpretation guidelines (Richards et al. 2015 PMID: 25741868, with internal and published modifications).

NM_004715.5(CTDP1):c.1938G>A (p.Pro646=)

Gene: CTDP1 (CTD phosphatase 1; plus strand). Cytogenetic location: 18q23.
Variant type: single nucleotide variant.
Coding change: c.1938G>A on transcript NM_004715.5 (MANE Select); coding-DNA position 1938, G replaced by A.
Protein change: p.Pro646=; no amino-acid change (proline 646 retained).
Molecular consequence: synonymous variant.
Genome position (GRCh38, 1-based): chr18:79,715,398, G>A. VCF-style: chr18-79715398-G-A. GRCh37 (hg19) VCF-style: chr18-77475398-G-A.
Other names: c.1581G>A, p.Pro527= (NM_001202504.1); c.1938G>A, p.Pro646= (NM_001318511.2, NM_048368.4).
Identifiers: ClinVar variation 3047111 (VCV003047111.14), dbSNP rs765183908, ClinGen allele CA9010410.